The following is an entry in ClinVar:

ClinVar aggregate classification (germline): Pathogenic. Review status: reviewed by expert panel (3 of 4 stars). 10 submissions from 10 submitters: Pathogenic (1). 9 of the submissions do not count toward it. Last evaluated 2016-09-08.

Conditions:
Hereditary cancer-predisposing syndrome. Also called: Tumor predisposition; Neoplastic Syndromes, Hereditary; Hereditary Cancer Syndrome; Hereditary neoplastic syndrome. Identifiers: Orphanet 140162, MedGen C0027672, MeSH D009386, MONDO:0015356.
Hereditary breast ovarian cancer syndrome. Also called: Hereditary breast and ovarian cancer syndrome (HBOC); Hereditary breast and ovarian cancer syndrome; Hereditary breast and ovarian cancer; Hereditary breast and/or ovarian cancer syndrome; Breast and ovarian cancer; BRCA1- and BRCA2-Associated Hereditary Breast and Ovarian Cancer. Identifiers: Orphanet 145, MedGen C0677776, MeSH D061325, MONDO:0003582. Disease mechanism: loss of function.
Breast-ovarian cancer, familial, susceptibility to, 1 (BROVCA1). Also called: OVARIAN CANCER, SUSCEPTIBILITY TO; BRCA1 Hereditary Breast and Ovarian Cancer. Identifiers: Orphanet 145, MedGen C2676676, MONDO:0011450, OMIM 604370. Disease mechanism: loss of function.

Submissions (10):

Evidence-based Network for the Interpretation of Germline Mutant Alleles (ENIGMA)
Classification: Pathogenic for Breast-ovarian cancer, familial, susceptibility to, 1. Last evaluated: 2016-09-08. Review status: reviewed by expert panel. Criteria: ENIGMA BRCA1/2 Classification Criteria (2015). Collection method: curation. Allele origin: germline.
Comment: Variant allele predicted to encode a truncated non-functional protein.

Labcorp Genetics (formerly Invitae), Labcorp
Classification: Pathogenic for Hereditary breast ovarian cancer syndrome. Last evaluated: 2024-04-16. Review status: criteria provided, single submitter. Criteria: Invitae Variant Classification Sherloc (09022015). Collection method: clinical testing. Allele origin: germline. Not counted in ClinVar's aggregate classification.
Comment: This sequence change creates a premature translational stop signal (p.Ala433Profs*8) in the BRCA1 gene. It is expected to result in an absent or disrupted protein product. Loss-of-function variants in BRCA1 are known to be pathogenic (PMID: 20104584). This variant is not present in population databases (gnomAD no frequency). This premature translational stop signal has been observed in individual(s) with ovarian cancer (PMID: 21324516). This variant is also known as 1416delG. ClinVar contains an entry for this variant (Variation ID: 54190). For these reasons, this variant has been classified as Pathogenic.

Ambry Genetics
Classification: Pathogenic for Hereditary cancer-predisposing syndrome. Last evaluated: 2023-12-12. Review status: criteria provided, single submitter. Criteria: Ambry Variant Classification Scheme 2023. Collection method: clinical testing. Allele origin: germline. Not counted in ClinVar's aggregate classification.
Comment: The c.1297delG pathogenic mutation, located in coding exon 9 of the BRCA1 gene, results from a deletion of one nucleotide at nucleotide position 1297, causing a translational frameshift with a predicted alternate stop codon (p.A433Pfs*8). This variant is considered to be rare based on population cohorts in the Genome Aggregation Database (gnomAD). In addition to the clinical data presented in the literature, this alteration is expected to result in loss of function by premature protein truncation or nonsense-mediated mRNA decay. As such, this alteration is interpreted as a disease-causing mutation.

Baylor Genetics
Classification: Pathogenic for Breast-ovarian cancer, familial, susceptibility to, 1. Last evaluated: 2023-08-04. Review status: criteria provided, single submitter. Criteria: ACMG Guidelines, 2015. Collection method: clinical testing. Allele origin: unknown. Not counted in ClinVar's aggregate classification.

Color Diagnostics, LLC DBA Color Health
Classification: Pathogenic for Hereditary cancer-predisposing syndrome. Last evaluated: 2020-05-04. Review status: criteria provided, single submitter. Criteria: ACMG Guidelines, 2015. Collection method: clinical testing. Allele origin: germline. Not counted in ClinVar's aggregate classification.
Comment: This variant deletes 1 nucleotide in exon 10 of the BRCA1 gene, creating a frameshift and premature translation stop signal. This variant is expected to result in an absent or non-functional protein product. This variant has been reported in an individual affected with ovarian cancer (PMID: 21324516). This variant has not been identified in the general population by the Genome Aggregation Database (gnomAD). Loss of BRCA1 function is a known mechanism of disease. Based on the available evidence, this variant is classified as Pathogenic.

Women's Health and Genetics/Laboratory Corporation of America, LabCorp
Classification: Pathogenic for Hereditary breast ovarian cancer syndrome. Last evaluated: 2017-01-03. Review status: criteria provided, single submitter. Criteria: LabCorp Variant Classification Summary - May 2015. Collection method: clinical testing. Allele origin: germline. Not counted in ClinVar's aggregate classification.
Comment: Variant summary: The BRCA1 c.1297delG (p.Ala433Profs) variant results in a premature termination codon, predicted to cause a truncated or absent BRCA1 protein due to nonsense mediated decay, which are commonly known mechanisms for disease. Truncations downstream of this position have been classified as pathogenic by our laboratory (e.g. c.1326T>A, p.Cys442X; c.1360_1361delAG, p.Ser454fs). One in silico tool predicts a damaging outcome for this variant. This variant is absent in 121238 control chromosomes. The variant has been reported in affected individuals in the literature. In addition, multiple clinical diagnostic laboratories/reputable databases classified this variant as pathogenic. Taken together, this variant is classified as pathogenic.

Consortium of Investigators of Modifiers of BRCA1/2 (CIMBA), c/o University of Cambridge
Classification: Pathogenic for Breast-ovarian cancer, familial, susceptibility to, 1. Last evaluated: 2015-10-02. Review status: criteria provided, single submitter. Criteria: CIMBA Mutation Classification guidelines May 2016. Collection method: clinical testing. Allele origin: germline. Not counted in ClinVar's aggregate classification.

Research Molecular Genetics Laboratory, Women's College Hospital, University of Toronto
Classification: Pathogenic for Hereditary breast ovarian cancer syndrome. Last evaluated: 2014-01-31. Review status: no assertion criteria provided. Collection method: research. Allele origin: germline. Affected: yes. Study: The Canadian Open Genetics Repository (COGR). Not counted in ClinVar's aggregate classification.

Breast Cancer Information Core (BIC) (BRCA1)
Classification: Pathogenic for Breast-ovarian cancer, familial 1. Last evaluated: 2002-06-20. Review status: no assertion criteria provided. Collection method: clinical testing. Allele origin: germline. Affected: yes. Observed: 1 variant allele. Not counted in ClinVar's aggregate classification.

Department of Pathology and Laboratory Medicine, Sinai Health System
Classification: Pathogenic. Review status: no assertion criteria provided. Collection method: clinical testing. Allele origin: unknown. Affected: yes. Study: The Canadian Open Genetics Repository (COGR). Not counted in ClinVar's aggregate classification.
Comment: The BRCA1 p.Ala433ProfsX8 variant was identified in the literature in at least 2 of 113994 proband chromosomes (frequency: 0.00002) from individuals or families with breast or ovarian cancer (Judkins 2005, Zhang 2011). The variant was also identified in dbSNP (ID: rs80357794) â€šÃ„ÃºWith pathogenic alleleâ€šÃ„Ã¹, the GeneInsight COGR database (classified as pathogenic by a clinical laboratory), and in the Clinvar database with submissions from BIC (classified as pathogenic) and Invitae (classification not provided). The p.Ala433ProfsX8 deletion variant is predicted to cause a frameshift, which alters the protein's amino acid sequence beginning at codon 433 and leads to a premature stop codon at position 440. This alteration is then predicted to result in a truncated or absent protein and loss of function. Loss of function variants of the BRCA1 gene are an established mechanism of disease in hereditary breast and ovarian cancer and is the type of variant expected to cause the disorder. In summary, based on the above information, this variant meets our laboratoryâ€šÃ„Ã´s criteria to be classified as pathogenic.

Literature cited by the submitters: PubMed 20104584 (cited by Labcorp Genetics (formerly Invitae), Labcorp); PubMed 21324516 (cited by 3 submitters); PubMed 16267036 (cited by Women's Health and Genetics/Laboratory Corporation of America, LabCorp); PubMed 23884293 (cited by Women's Health and Genetics/Laboratory Corporation of America, LabCorp).

NM_007294.4(BRCA1):c.1297del (p.Ala433fs)

Gene: BRCA1 (BRCA1 DNA repair associated; minus strand). Cytogenetic location: 17q21.31.
Variant type: Deletion.
Coding change: c.1297del on transcript NM_007294.4 (MANE Select); coding-DNA position 1297, one base deleted (G; older notation c.1297delG).
Protein change: p.Ala433fs; shifts the reading frame from alanine 433.
Molecular consequence: frameshift variant. On other transcripts: intron variant (137).
Genome position (GRCh38, 1-based): chr17:43,094,234, C deleted on the plus strand (G on the coding strand, the reverse complement: BRCA1 is on the minus strand); the first of 2 consecutive C bases (chr17:43,094,234-43,094,235); deleting either gives the same sequence. VCF-style (leftmost placement, unchanged base first): chr17-43094233-GC-G. GRCh37 (hg19) VCF-style: chr17-41246250-GC-G.
Other names: 1416delG; c.1297delG (NM_007294.3); c.1288del, p.Ala430fs (NM_001407646.1, NM_001407647.1); c.1174del, p.Ala392fs (NM_001407648.1, NM_001407664.1, NM_001407665.1 and 19 more transcripts); c.1171del, p.Ala391fs (NM_001407649.1, NM_001407670.1, NM_001407671.1 and 11 more transcripts); c.1297del, p.Ala433fs (NM_001407652.1, NM_001407684.1, NM_001407854.1 and 30 more transcripts); c.1219del, p.Ala407fs (NM_001407653.1, NM_001407654.1, NM_001407655.1 and 4 more transcripts); c.1216del, p.Ala406fs (NM_001407659.1, NM_001407660.1, NM_001407661.1 and 1 more transcripts); and 42 more; short protein forms A386fs, A433fs, A391fs, A406fs, A345fs, A363fs, A365fs, A392fs.
Identifiers: ClinVar variation 54190 (VCV000054190.21), dbSNP rs80357794, ClinGen allele CA000849.